The following is an entry in ClinVar:

ClinVar aggregate classification (germline): Uncertain significance. Review status: criteria provided, multiple submitters, no conflicts (2 of 4 stars). 5 submissions from 5 submitters: Uncertain significance (5). Last evaluated 2024-05-10.

Conditions:
Inborn genetic diseases. Identifiers: MedGen C0950123, MeSH D030342.
MGAT2-congenital disorder of glycosylation. Also called: MGAT2-CDG; CDG IIa; Congenital disorder of glycosylation, type IIa; MENTAL RETARDATION, GROWTH RETARDATION, PROMINENT COLUMELLA, AND OPEN MOUTH; Alkuraya syndrome. Identifiers: Orphanet 79329, MedGen C2931008, MONDO:0008908, OMIM 212066.

Allele frequency attached by ClinVar (database versions not stated): 1000 Genomes Project 30x 0.00016; gnomAD exomes 0.00022 and 0.00035; gnomAD 0.00025 and 0.00027; TOPMed 0.00030; ExAC 0.00041; ESP Exome Variant Server 0.00046.

Submissions (5):

Women's Health and Genetics/Laboratory Corporation of America, LabCorp
Classification: Uncertain significance. Last evaluated: 2024-05-10. Review status: criteria provided, single submitter. Criteria: LabCorp Variant Classification Summary - May 2015. Collection method: clinical testing. Allele origin: germline.
Comment: Variant summary: MGAT2 c.232G>A (p.Ala78Thr) results in a non-conservative amino acid change in the encoded protein sequence. Three of five in-silico tools predict a benign effect of the variant on protein function. The variant allele was found at a frequency of 0.00035 in 243312 control chromosomes in the gnomAD database, including 1 homozygote. To our knowledge, no occurrence of c.232G>A in individuals affected with MGAT2-Congenital Disorder Of Glycosylation and no experimental evidence demonstrating its impact on protein function have been reported. ClinVar contains an entry for this variant (Variation ID: 573512). Based on the evidence outlined above, the variant was classified as uncertain significance.

Ambry Genetics
Classification: Uncertain significance for Inborn genetic diseases. Last evaluated: 2023-04-21. Review status: criteria provided, single submitter. Criteria: Ambry Variant Classification Scheme 2023. Collection method: clinical testing. Allele origin: germline.

Labcorp Genetics (formerly Invitae), Labcorp
Classification: Uncertain significance for MGAT2-congenital disorder of glycosylation. Last evaluated: 2022-10-17. Review status: criteria provided, single submitter. Criteria: Invitae Variant Classification Sherloc (09022015). Collection method: clinical testing. Allele origin: germline.
Comment: This sequence change replaces alanine, which is neutral and non-polar, with threonine, which is neutral and polar, at codon 78 of the MGAT2 protein (p.Ala78Thr). This variant is present in population databases (rs138365004, gnomAD 0.06%). This variant has not been reported in the literature in individuals affected with MGAT2-related conditions. ClinVar contains an entry for this variant (Variation ID: 573512). Advanced modeling of protein sequence and biophysical properties (such as structural, functional, and spatial information, amino acid conservation, physicochemical variation, residue mobility, and thermodynamic stability) performed at Invitae indicates that this missense variant is not expected to disrupt MGAT2 protein function. In summary, the available evidence is currently insufficient to determine the role of this variant in disease. Therefore, it has been classified as a Variant of Uncertain Significance.

Illumina Laboratory Services, Illumina
Classification: Uncertain significance for MGAT2-congenital disorder of glycosylation. Last evaluated: 2018-01-12. Review status: criteria provided, single submitter. Criteria: ICSL Variant Classification Criteria 13 December 2019. Collection method: clinical testing. Allele origin: germline.

Breakthrough Genomics
Classification: Uncertain significance. Review status: criteria provided, single submitter. Criteria: ACMG Guidelines, 2015. Collection method: not provided. Allele origin: germline. Inheritance: Autosomal recessive inheritance. Affected: yes.

NM_002408.4(MGAT2):c.232G>A (p.Ala78Thr)

Gene: MGAT2 (alpha-1,6-mannosyl-glycoprotein 2-beta-N-acetylglucosaminyltransferase; plus strand). Cytogenetic location: 14q21.3.
Variant type: single nucleotide variant.
Coding change: c.232G>A on transcript NM_002408.4 (MANE Select); coding-DNA position 232, G replaced by A.
Protein change: p.Ala78Thr; replaces alanine 78 with threonine.
Molecular consequence: missense variant.
Genome position (GRCh38, 1-based): chr14:49,621,500, G>A. VCF-style: chr14-49621500-G-A. GRCh37 (hg19) VCF-style: chr14-50088218-G-A.
Other names: short protein forms A78T.
Identifiers: ClinVar variation 573512 (VCV000573512.13), dbSNP rs138365004, ClinGen allele CA7172499.